The following is an entry in ClinVar:

ClinVar aggregate classification (germline): Likely benign. Review status: criteria provided, multiple submitters, no conflicts (2 of 4 stars). 2 submissions from 2 submitters: Likely benign (2). Last evaluated 2026-01-01.

Allele frequency attached by ClinVar (database versions not stated): 1000 Genomes Project 30x 0.00016; 1000 Genomes Project 0.00020; ESP Exome Variant Server 0.00031; ExAC 0.00040; TOPMed 0.00051; gnomAD exomes 0.00061; gnomAD 0.00066.
gnomAD v4.1: 973 of 1,614,220 alleles (0.06%); highest among the groups gnomAD compares: Admixed American, 0.082%; no homozygotes.

Submissions (2):

CeGaT Center for Human Genetics Tuebingen
Classification: Likely benign. Last evaluated: 2026-01-01. Review status: criteria provided, single submitter. Criteria: CeGaT Center For Human Genetics Tuebingen Variant Classification Criteria Version 2. Collection method: clinical testing. Allele origin: germline. Affected: yes. Observed: 4 variant alleles.
Comment: THG1L: BP4, BP7

Blueprint Genetics
Classification: Likely benign. Last evaluated: 2024-11-22. Review status: criteria provided, single submitter. Criteria: ACMG Guidelines, 2015. Collection method: clinical testing. Allele origin: germline.

NM_017872.5(THG1L):c.285G>A (p.Glu95=)

Gene: THG1L (tRNA-histidine guanylyltransferase 1 like; plus strand). Cytogenetic location: 5q33.3.
Variant type: single nucleotide variant.
Coding change: c.285G>A on transcript NM_017872.5 (MANE Select); coding-DNA position 285, G replaced by A.
Protein change: p.Glu95=; no amino-acid change (glutamic acid 95 retained).
Molecular consequence: synonymous variant. On other transcripts: 5 prime UTR variant (2).
Genome position (GRCh38, 1-based): chr5:157,732,961, G>A. VCF-style: chr5-157732961-G-A. GRCh37 (hg19) VCF-style: chr5-157159969-G-A.
Other names: c.-17G>A (NM_001317824.2); c.-87G>A (NM_001317825.2); c.99G>A, p.Glu33= (NM_001317826.2).
Identifiers: ClinVar variation 2656002 (VCV002656002.25), dbSNP rs146250610, ClinGen allele CA3536391.